The following is an entry in ClinVar:

NM_000038.6(APC):c.1696G>A (p.Val566Ile)

Gene: APC (APC regulator of Wnt signaling pathway; plus strand). Cytogenetic location: 5q22.2.
Variant type: single nucleotide variant.
Coding change: c.1696G>A on transcript NM_000038.6 (MANE Select); coding-DNA position 1696, G replaced by A.
Protein change: p.Val566Ile; replaces valine 566 with isoleucine.
Molecular consequence: missense variant.
Genome position (GRCh38, 1-based): chr5:112,828,925, G>A. VCF-style: chr5-112828925-G-A. GRCh37 (hg19) VCF-style: chr5-112164622-G-A.
Other names: c.1696G>A, p.Val566Ile (NM_001127510.3, NM_001354895.2); c.1642G>A, p.Val548Ile (NM_001127511.3); c.1750G>A, p.Val584Ile (NM_001354896.2); c.1726G>A, p.Val576Ile (NM_001354897.2); c.1621G>A, p.Val541Ile (NM_001354898.2); c.1612G>A, p.Val538Ile (NM_001354899.2); c.1573G>A, p.Val525Ile (NM_001354900.2); c.1519G>A, p.Val507Ile (NM_001354901.2); and 5 more; short protein forms V406I, V548I, V566I, V576I, V440I, V465I, V507I, V525I.
Identifiers: ClinVar variation 836540 (VCV000836540.1), dbSNP rs1764020231, ClinGen allele CA16025013.

ClinVar aggregate classification (germline): Uncertain significance (1 of 4 stars; one submission).

Conditions:
Familial adenomatous polyposis 1 (FAP1). Also called: POLYPOSIS, ADENOMATOUS INTESTINAL; FAMILIAL ADENOMATOUS POLYPOSIS 1, ATTENUATED. Identifiers: MedGen C2713442, MONDO:0021056, OMIM 175100. Disease mechanism: loss of function.

gnomAD v4.1: 2 of 1,613,950 alleles (0.00012%); highest among the groups gnomAD compares: East Asian, 0.0022%; no homozygotes.

Submission:

Labcorp Genetics (formerly Invitae), Labcorp
Classification: Uncertain significance for Familial adenomatous polyposis 1. Last evaluated: 2019-12-19. Review status: criteria provided, single submitter. Criteria: Invitae Variant Classification Sherloc (09022015). Collection method: clinical testing. Allele origin: germline.
Comment: This sequence change replaces valine with isoleucine at codon 566 of the APC protein (p.Val566Ile). The valine residue is highly conserved and there is a small physicochemical difference between valine and isoleucine. This variant is not present in population databases (ExAC no frequency). This variant has not been reported in the literature in individuals with APC-related conditions. Algorithms developed to predict the effect of missense changes on protein structure and function are either unavailable or do not agree on the potential impact of this missense change (SIFT: "Deleterious"; PolyPhen-2: "Benign"; Align-GVGD: "Class C25"). In summary, the available evidence is currently insufficient to determine the role of this variant in disease. Therefore, it has been classified as a Variant of Uncertain Significance.